The following is an entry in ClinVar:

ClinVar aggregate classification (germline): Uncertain significance (1 of 4 stars; one submission).

Conditions:
Ataxia-telangiectasia syndrome (AT). Also called: AT, COMPLEMENTATION GROUP C; Ataxia telangiectasia (A-T); LOUIS-BAR SYNDROME; Ataxia-telangiectasia, complementation group D; Ataxia-telangiectasia, complementation group E; ATAXIA-TELANGIECTASIA, COMPLEMENTATION GROUP A. Identifiers: Orphanet 100, MedGen C0004135, MONDO:0008840, OMIM 208900.

Submission:

Labcorp Genetics (formerly Invitae), Labcorp
Classification: Uncertain significance for Ataxia-telangiectasia syndrome. Last evaluated: 2022-02-27. Review status: criteria provided, single submitter. Criteria: Invitae Variant Classification Sherloc (09022015). Collection method: clinical testing. Allele origin: germline.
Comment: This sequence change replaces methionine, which is neutral and non-polar, with leucine, which is neutral and non-polar, at codon 349 of the ATM protein (p.Met349Leu). This variant is not present in population databases (gnomAD no frequency). This variant has not been reported in the literature in individuals affected with ATM-related conditions. Advanced modeling of protein sequence and biophysical properties (such as structural, functional, and spatial information, amino acid conservation, physicochemical variation, residue mobility, and thermodynamic stability) performed at Invitae indicates that this missense variant is not expected to disrupt ATM protein function. In summary, the available evidence is currently insufficient to determine the role of this variant in disease. Therefore, it has been classified as a Variant of Uncertain Significance.

NM_000051.4(ATM):c.1045A>T (p.Met349Leu)

Gene: ATM (ATM serine/threonine kinase; plus strand). Cytogenetic location: 11q22.3.
Variant type: single nucleotide variant.
Coding change: c.1045A>T on transcript NM_000051.4 (MANE Select); coding-DNA position 1045, A replaced by T.
Protein change: p.Met349Leu; replaces methionine 349 with leucine.
Molecular consequence: missense variant.
Genome position (GRCh38, 1-based): chr11:108,247,107, A>T. VCF-style: chr11-108247107-A-T. GRCh37 (hg19) VCF-style: chr11-108117834-A-T.
Other names: c.1045A>T, p.Met349Leu (NM_001351834.2); short protein forms M349L.
Identifiers: ClinVar variation 2103765 (VCV002103765.4), dbSNP rs2135268906, ClinGen allele CA382531729.